The following is an entry in ClinVar:

ClinVar aggregate classification (germline): Uncertain significance (1 of 4 stars; one submission).

Conditions:
Oligodontia-cancer predisposition syndrome. Also called: TOOTH AGENESIS-COLORECTAL CANCER SYNDROME. Identifiers: Orphanet 300576, MedGen C1837750, MONDO:0012075, OMIM 608615. Disease mechanism: loss of function.

Submission:

Labcorp Genetics (formerly Invitae), Labcorp
Classification: Uncertain significance for Oligodontia-cancer predisposition syndrome. Last evaluated: 2023-09-09. Review status: criteria provided, single submitter. Criteria: Invitae Variant Classification Sherloc (09022015). Collection method: clinical testing. Allele origin: germline.
Comment: This sequence change replaces threonine, which is neutral and polar, with asparagine, which is neutral and polar, at codon 295 of the AXIN2 protein (p.Thr295Asn). This variant is not present in population databases (gnomAD no frequency). This variant has not been reported in the literature in individuals affected with AXIN2-related conditions. ClinVar contains an entry for this variant (Variation ID: 1019488). Advanced modeling of protein sequence and biophysical properties (such as structural, functional, and spatial information, amino acid conservation, physicochemical variation, residue mobility, and thermodynamic stability) performed at Invitae indicates that this missense variant is not expected to disrupt AXIN2 protein function. In summary, the available evidence is currently insufficient to determine the role of this variant in disease. Therefore, it has been classified as a Variant of Uncertain Significance.

NM_004655.4(AXIN2):c.884C>A (p.Thr295Asn)

Gene: AXIN2 (axin 2; minus strand). Cytogenetic location: 17q24.1.
Variant type: single nucleotide variant.
Coding change: c.884C>A on transcript NM_004655.4 (MANE Select); coding-DNA position 884, C replaced by A.
Protein change: p.Thr295Asn; replaces threonine 295 with asparagine.
Molecular consequence: missense variant.
Genome position (GRCh38, 1-based): chr17:65,549,592, G>T on the plus strand (C>A on the coding strand, the complement: AXIN2 is on the minus strand). VCF-style: chr17-65549592-G-T. GRCh37 (hg19) VCF-style: chr17-63545710-G-T.
Other names: c.884C>A, p.Thr295Asn (NM_001363813.1); short protein forms T295N.
Identifiers: ClinVar variation 1019488 (VCV001019488.9), dbSNP rs2044163657, ClinGen allele CA400679574.